The following is an entry in ClinVar:

ClinVar aggregate classification (germline): Uncertain significance (1 of 4 stars; one submission).

Conditions:
Neurodevelopmental disorder with epilepsy and brain atrophy (NEDEBA). Identifiers: MedGen C5774184, MONDO:0859265, OMIM 619971.

gnomAD v4.1: 6 of 1,613,028 alleles (0.00037%); highest among the groups gnomAD compares: Non-Finnish European, 0.00042%; no homozygotes.

Submission:

Victorian Clinical Genetics Services, Murdoch Childrens Research Institute
Classification: Uncertain significance for Neurodevelopmental disorder with epilepsy and brain atrophy. Last evaluated: 2025-03-18. Review status: criteria provided, single submitter. Criteria: ACMG Guidelines, 2015. Collection method: clinical testing. Allele origin: germline. Affected: yes.
Comment: This variant is classified as VUS-3A. Evidence in support of pathogenic classification: Splice site variant proven to affect splicing of the transcript with a known effect on protein sequence. RNA studies show that the c.1023G>A variant weakens the canonical donor, and approximately 30-40% of transcripts arising from the paternal allele are derived from a cryptic donor, encoding an in-frame deletion p.(Val323_Thr341del) (Splicing Diagnostics, Kids Neuroscience Centre, NSW, Australia); Variant is present in gnomAD <0.01 (v4: 6 heterozygote(s), 0 homozygote(s)); Heterozygous variant detected in trans with a PATHOGENIC heterozygous variant (NM_001130021.3(ATP6V0A1):c.118-1del) in a recessive disease. Additional information: This variant is heterozygous; This gene is associated with both recessive and dominant disease. Developmental and epileptic encephalopathy 104 (MIM#619970) is associated with autosomal dominant inheritance whilst neurodevelopmental disorder with epilepsy and brain atrophy (MIM#619971) is associated with autosomal recessive inheritance; This variant has no previous evidence of pathogenicity; No published segregation evidence has been identified for this variant; No comparable variants have previous evidence for pathogenicity; Variant is predicted to affect part of the V_ATPase_I domain (DECIPHER); Loss of function is a known mechanism of disease in this gene and is associated with neurodevelopmental disorder with epilepsy and brain atrophy (MIM#619971). Dominant negative mechanism has been suggested as a mechanism for developmental and epileptic encephalopathy 104 (MIM#619970); however, this has not been proven (PMIDs: 34909687, 33833240).

Literature cited by the submitters: PubMed 33833240; PubMed 34909687.

NM_001130021.3(ATP6V0A1):c.1023G>A (p.Thr341=)

Gene: ATP6V0A1 (ATPase H+ transporting V0 subunit a1; plus strand). Cytogenetic location: 17q21.2.
Variant type: single nucleotide variant.
Coding change: c.1023G>A on transcript NM_001130021.3 (MANE Select); coding-DNA position 1023, G replaced by A.
Protein change: p.Thr341=; no amino-acid change (threonine 341 retained).
Molecular consequence: synonymous variant. On other transcripts: intron variant (2).
Genome position (GRCh38, 1-based): chr17:42,487,367, G>A. VCF-style: chr17-42487367-G-A. GRCh37 (hg19) VCF-style: chr17-40639385-G-A.
Other names: c.1044G>A, p.Thr348= (NM_001130020.3, NM_001378522.1, NM_001378523.1 and 3 more transcripts); c.1146G>A, p.Thr382= (NM_001378530.1, NM_001378533.1, NM_001378551.1 and 1 more transcripts); c.1167G>A, p.Thr389= (NM_001378531.1, NM_001378532.1); c.1023G>A, p.Thr341= (NM_001378535.1, NM_001378537.1, NM_001378542.1 and 4 more transcripts); c.915G>A, p.Thr305= (NM_001378536.1, NM_001378550.1, NM_001378556.1); c.894G>A, p.Thr298= (NM_001378538.1, NM_001378540.1); c.864G>A, p.Thr288= (NM_001378543.1); c.813G>A, p.Thr271= (NM_001378545.1, NM_001378554.1); and 2 more.
Identifiers: ClinVar variation 3377259 (VCV003377259.3).